The following is an entry in ClinVar:

NM_015102.5(NPHP4):c.1844A>G (p.Gln615Arg)

Gene: NPHP4 (nephrocystin 4; minus strand). Cytogenetic location: 1p36.31.
Variant type: single nucleotide variant.
Coding change: c.1844A>G on transcript NM_015102.5 (MANE Select); coding-DNA position 1844, A replaced by G.
Protein change: p.Gln615Arg; replaces glutamine 615 with arginine.
Molecular consequence: missense variant. On other transcripts: non-coding transcript variant (1).
Genome position (GRCh38, 1-based): chr1:5,905,403, T>C on the plus strand (A>G on the coding strand, the complement: NPHP4 is on the minus strand). VCF-style: chr1-5905403-T-C. GRCh37 (hg19) VCF-style: chr1-5965463-T-C.
Other names: c.305A>G, p.Gln102Arg (NM_001291593.2); c.308A>G, p.Gln103Arg (NM_001291594.2); c.1844A>G (NM_015102.3); short protein forms Q102R, Q103R, Q615R.
Identifiers: ClinVar variation 1008838 (VCV001008838.6), dbSNP rs371424317, ClinGen allele CA554350.

ClinVar aggregate classification (germline): Uncertain significance. Review status: criteria provided, multiple submitters, no conflicts (2 of 4 stars). 3 submissions from 3 submitters: Uncertain significance (3). Last evaluated 2024-03-29.

Conditions:
Nephronophthisis. Also called: Juvenile Nephronophthisis. Identifiers: Orphanet 655, MedGen C0687120, MONDO:0019005, HP:0000090.
Nephronophthisis 4 (NPHP4). Also called: NEPHRONOPHTHISIS 4, JUVENILE. Identifiers: Orphanet 655, MedGen C1847013, MONDO:0011752, OMIM 606966.
Senior-Loken syndrome 4 (SLSN4). Identifiers: Orphanet 3156, MedGen C1846979, MONDO:0011756, OMIM 606996.
Inborn genetic diseases. Identifiers: MedGen C0950123, MeSH D030342.

Allele frequency attached by ClinVar (database versions not stated): gnomAD exomes 0.00002 and 0.00006; ExAC 0.00010; 1000 Genomes Project 30x 0.00016; 1000 Genomes Project 0.00020; gnomAD 0.00023 and 0.00025; TOPMed 0.00035; ESP Exome Variant Server 0.00049.
gnomAD v4.1: 66 of 1,613,400 alleles (0.0041%); highest among the groups gnomAD compares: African/African-American, 0.084%; no homozygotes.

Submissions (3):

Fulgent Genetics
Classification: Uncertain significance for Nephronophthisis 4; Senior-Loken syndrome 4. Last evaluated: 2024-03-29. Review status: criteria provided, single submitter. Criteria: ACMG Guidelines, 2015. Collection method: clinical testing. Allele origin: germline.

Ambry Genetics
Classification: Uncertain significance for Inborn genetic diseases. Last evaluated: 2023-04-11. Review status: criteria provided, single submitter. Criteria: Ambry Variant Classification Scheme 2023. Collection method: clinical testing. Allele origin: germline.

Labcorp Genetics (formerly Invitae), Labcorp
Classification: Uncertain significance for Nephronophthisis. Last evaluated: 2022-08-16. Review status: criteria provided, single submitter. Criteria: Invitae Variant Classification Sherloc (09022015). Collection method: clinical testing. Allele origin: germline.
Comment: This sequence change replaces glutamine, which is neutral and polar, with arginine, which is basic and polar, at codon 615 of the NPHP4 protein (p.Gln615Arg). This variant is present in population databases (rs371424317, gnomAD 0.06%). This variant has not been reported in the literature in individuals affected with NPHP4-related conditions. ClinVar contains an entry for this variant (Variation ID: 1008838). Algorithms developed to predict the effect of missense changes on protein structure and function output the following: SIFT: "Tolerated"; PolyPhen-2: "Benign"; Align-GVGD: "Class C0". The arginine amino acid residue is found in multiple mammalian species, which suggests that this missense change does not adversely affect protein function. In summary, the available evidence is currently insufficient to determine the role of this variant in disease. Therefore, it has been classified as a Variant of Uncertain Significance.